The following is an entry in ClinVar:

NC_000001.10:g.(?_237796858)_(237995947_?)dup

Gene: RYR2 (ryanodine receptor 2; plus strand). Cytogenetic location: 1q43.
Variant type: Duplication.
Identifiers: ClinVar variation 2423530 (VCV002423530.3).

ClinVar aggregate classification (germline): Uncertain significance (1 of 4 stars; one submission).

Conditions:
Catecholaminergic polymorphic ventricular tachycardia 1. Also called: VENTRICULAR TACHYCARDIA, CATECHOLAMINERGIC POLYMORPHIC, 1, WITH OR WITHOUT ATRIAL DYSFUNCTION AND/OR DILATED CARDIOMYOPATHY; RYR2-Related Catecholaminergic Polymorphic Ventricular Tachycardia; VENTRICULAR TACHYCARDIA, STRESS-INDUCED POLYMORPHIC 1. Identifiers: Orphanet 3286, MedGen C1631597, MONDO:0011484, OMIM 604772.

Submission:

Labcorp Genetics (formerly Invitae), Labcorp
Classification: Uncertain significance for Catecholaminergic polymorphic ventricular tachycardia 1. Last evaluated: 2022-10-02. Review status: criteria provided, single submitter. Criteria: Invitae Variant Classification Sherloc (09022015). Collection method: clinical testing. Allele origin: germline.
Comment: Experimental studies and prediction algorithms are not available or were not evaluated, and the functional significance of this variant is currently unknown. This variant has not been reported in the literature in individuals affected with RYR2-related conditions. This variant results in a copy number gain of the genomic region encompassing exon(s) 43-105 of the RYR2 gene. This region includes the termination codon of the gene. This copy number gain extends beyond the assayed region for this gene and therefore may encompass additional genes. As the precise location of this event is unknown, it may be in tandem or it may be located elsewhere in the genome. In summary, the available evidence is currently insufficient to determine the role of this variant in disease. Therefore, it has been classified as a Variant of Uncertain Significance.